The following is an entry in ClinVar:

NM_001330260.2(SCN8A):c.3999G>A (p.Val1333=)

Gene: SCN8A (sodium voltage-gated channel alpha subunit 8; plus strand). Cytogenetic location: 12q13.13.
Variant type: single nucleotide variant.
Coding change: c.3999G>A on transcript NM_001330260.2 (MANE Select); coding-DNA position 3999, G replaced by A.
Protein change: p.Val1333=; no amino-acid change (valine 1333 retained).
Molecular consequence: synonymous variant.
Genome position (GRCh38, 1-based): chr12:51,786,598, G>A. VCF-style: chr12-51786598-G-A. GRCh37 (hg19) VCF-style: chr12-52180382-G-A.
Other names: p.V1333V:GTG>GTA; c.3876G>A, p.Val1292= (NM_001177984.3, NM_001369788.1); c.3999G>A, p.Val1333= (NM_014191.4).
Identifiers: ClinVar variation 207100 (VCV000207100.9), dbSNP rs796053208, ClinGen allele CA318239.

ClinVar aggregate classification (germline): Likely benign. Review status: criteria provided, multiple submitters, no conflicts (2 of 4 stars). 2 submissions from 2 submitters: Likely benign (2). Last evaluated 2021-06-02.

Conditions:
Early-infantile DEE. Also called: Early infantile epileptic encephalopathy; Ohtahara syndrome; Early infantile epileptic encephalopathy with suppression bursts. Identifiers: Orphanet 1934, MedGen C0393706, MONDO:0800491.

Allele frequency attached by ClinVar (database versions not stated): TOPMed below 0.00001; gnomAD 0.00001; gnomAD exomes 0.00001.
gnomAD v4.1: 7 of 1,614,082 alleles (0.00043%); highest among the groups gnomAD compares: Non-Finnish European, 0.00051%; no homozygotes.

Submissions (2):

Labcorp Genetics (formerly Invitae), Labcorp
Classification: Likely benign for Early-infantile DEE. Last evaluated: 2021-06-02. Review status: criteria provided, single submitter. Criteria: Invitae Variant Classification Sherloc (09022015). Collection method: clinical testing. Allele origin: germline.

GeneDx
Classification: Likely benign. Last evaluated: 2014-07-23. Review status: criteria provided, single submitter. Criteria: GeneDx Variant Classification (06012015). Collection method: clinical testing. Allele origin: germline. Affected: yes.
Comment: This variant is considered likely benign or benign based on one or more of the following criteria: it is a conservative change, it occurs at a poorly conserved position in the protein, it is predicted to be benign by multiple in silico algorithms, and/or has population frequency not consistent with disease.